The following is an entry in ClinVar:

NM_004336.5(BUB1):c.1936G>T (p.Val646Leu)

Gene: BUB1 (BUB1 mitotic checkpoint serine/threonine kinase; minus strand). Cytogenetic location: 2q13.
Variant type: single nucleotide variant.
Coding change: c.1936G>T on transcript NM_004336.5 (MANE Select); coding-DNA position 1936, G replaced by T.
Protein change: p.Val646Leu; replaces valine 646 with leucine.
Molecular consequence: missense variant.
Genome position (GRCh38, 1-based): chr2:110,653,464, C>A on the plus strand (G>T on the coding strand, the complement: BUB1 is on the minus strand). VCF-style: chr2-110653464-C-A. GRCh37 (hg19) VCF-style: chr2-111411041-C-A.
Other names: c.1876G>T, p.Val626Leu (NM_001278616.2); c.1936G>T, p.Val646Leu (NM_001278617.2); short protein forms V626L, V646L.
Identifiers: ClinVar variation 3483004 (VCV003483004.1).

ClinVar aggregate classification (germline): Uncertain significance (1 of 4 stars; one submission).

gnomAD v4.1: 2 of 1,613,800 alleles (0.00012%); highest among the groups gnomAD compares: African/African-American, 0.0027%; no homozygotes.

Submission:

Ambry Genetics
Classification: Uncertain significance. Last evaluated: 2024-06-25. Review status: criteria provided, single submitter. Criteria: Ambry Variant Classification Scheme 2023. Collection method: clinical testing. Allele origin: germline.
Comment: The p.V646L variant (also known as c.1936G>T), located in coding exon 17 of the BUB1 gene, results from a G to T substitution at nucleotide position 1936. The valine at codon 646 is replaced by leucine, an amino acid with highly similar properties. This amino acid position is conserved. In addition, this alteration is predicted to be tolerated by in silico analysis. Based on the available evidence, the clinical significance of this variant remains unclear.